The following is an entry in ClinVar:

ClinVar aggregate classification (germline): Likely benign. Review status: criteria provided, multiple submitters, no conflicts (2 of 4 stars). 2 submissions from 2 submitters: Likely benign (2). Last evaluated 2026-03-05.

Conditions:
CYP7A1-related disorder. Also called: CYP7A1-related condition.

gnomAD v4.1: 6 of 1,614,086 alleles (0.00037%); highest among the groups gnomAD compares: African/African-American, 0.004%; no homozygotes.

Submissions (2):

PreventionGenetics, part of Exact Sciences
Classification: Likely benign for CYP7A1-related condition. Last evaluated: 2026-03-05. Review status: criteria provided, single submitter. Criteria: ACMG Guidelines, 2015. Collection method: clinical testing. Allele origin: germline.
Comment: This variant is classified as likely benign based on ACMG/AMP sequence variant interpretation guidelines (Richards et al. 2015 PMID: 25741868, with internal and published modifications).

Labcorp Genetics (formerly Invitae), Labcorp
Classification: Likely benign. Last evaluated: 2024-04-02. Review status: criteria provided, single submitter. Criteria: Invitae Variant Classification Sherloc (09022015). Collection method: clinical testing. Allele origin: germline.

NM_000780.4(CYP7A1):c.636C>T (p.Phe212=)

Gene: CYP7A1 (cytochrome P450 family 7 subfamily A member 1; minus strand). Cytogenetic location: 8q12.1.
Variant type: single nucleotide variant.
Coding change: c.636C>T on transcript NM_000780.4 (MANE Select); coding-DNA position 636, C replaced by T.
Protein change: p.Phe212=; no amino-acid change (phenylalanine 212 retained).
Molecular consequence: synonymous variant.
Genome position (GRCh38, 1-based): chr8:58,496,876, G>A on the plus strand (C>T on the coding strand, the complement: CYP7A1 is on the minus strand). VCF-style: chr8-58496876-G-A. GRCh37 (hg19) VCF-style: chr8-59409435-G-A.
Other names: c.636C>T (NM_000780.3).
Identifiers: ClinVar variation 3610276 (VCV003610276.3).
Genomic context (GRCh38, chr8:58,496,876, plus strand): 5'-GTGCGCAGTCCTGAACATGTGAATGGGGAGGCCTGCTACCAGGGCTGGAAAGACTTTGTC[G>A]AATTGCTTGAAGTTGTCAAGATTGTTTAGAATATGTGCTTTCTGTGTGTCCCGCCTTGTA-3'
Protein context (NP_000771.2, residues 202-222): ILNNLDNFKQ[Phe212=]DKVFPALVAG